The following is an entry in ClinVar:

NM_018975.4(TERF2IP):c.437C>G (p.Thr146Ser)

Gene: TERF2IP (TERF2 interacting protein; plus strand). Cytogenetic location: 16q23.1.
Variant type: single nucleotide variant.
Coding change: c.437C>G on transcript NM_018975.4 (MANE Select); coding-DNA position 437, C replaced by G.
Protein change: p.Thr146Ser; replaces threonine 146 with serine.
Molecular consequence: missense variant. On other transcripts: non-coding transcript variant (1).
Genome position (GRCh38, 1-based): chr16:75,648,319, C>G. VCF-style: chr16-75648319-C-G. GRCh37 (hg19) VCF-style: chr16-75682217-C-G.
Other names: short protein forms T146S.
Identifiers: ClinVar variation 2563452 (VCV002563452.2), dbSNP rs944308624, ClinGen allele CA396817902.

ClinVar aggregate classification (germline): Uncertain significance (1 of 4 stars; one submission).

Submission:

Ambry Genetics
Classification: Uncertain significance. Last evaluated: 2023-03-29. Review status: criteria provided, single submitter. Criteria: Ambry Variant Classification Scheme 2023. Collection method: clinical testing. Allele origin: germline.
Comment: The p.T146S variant (also known as c.437C>G), located in coding exon 1 of the TERF2IP gene, results from a C to G substitution at nucleotide position 437. The threonine at codon 146 is replaced by serine, an amino acid with similar properties. This amino acid position is conserved. In addition, this alteration is predicted to be tolerated by in silico analysis. Since supporting evidence is limited at this time, the clinical significance of this alteration remains unclear.